The following is an entry in ClinVar:

NM_024422.6(DSC2):c.617A>G (p.Tyr206Cys)

Gene: DSC2 (desmocollin 2; minus strand). Cytogenetic location: 18q12.1.
Variant type: single nucleotide variant.
Coding change: c.617A>G on transcript NM_024422.6 (MANE Select); coding-DNA position 617, A replaced by G.
Protein change: p.Tyr206Cys; replaces tyrosine 206 with cysteine.
Molecular consequence: missense variant.
Genome position (GRCh38, 1-based): chr18:31,089,452, T>C on the plus strand (A>G on the coding strand, the complement: DSC2 is on the minus strand). VCF-style: chr18-31089452-T-C. GRCh37 (hg19) VCF-style: chr18-28669415-T-C.
Other names: c.617A>G, p.Tyr206Cys (NM_004949.5); short protein forms Y206C.
Identifiers: ClinVar variation 639835 (VCV000639835.19), dbSNP rs753004247, ClinGen allele CA038975.

ClinVar aggregate classification (germline): Conflicting classifications of pathogenicity. Review status: criteria provided, conflicting classifications (1 of 4 stars). 5 submissions from 5 submitters: Uncertain significance (4); Likely benign (1). Last evaluated 2025-05-30.

Conditions:
Cardiomyopathy (CMYO). Also called: Cardiomyopathies. Identifiers: Orphanet 167848, MedGen C0878544, MONDO:0004994, HP:0001638. Inheritance: Various modes of inheritance.
Arrhythmogenic right ventricular dysplasia 11. Also called: Arrhythmogenic right ventricular dysplasia 11 with mild palmoplantar keratoderma and woolly hair; Arrhythmogenic Right Ventricular Dysplasia/Cardiomyopathy11; ARRHYTHMOGENIC RIGHT VENTRICULAR DYSPLASIA, FAMILIAL, 11. Identifiers: MedGen C1864850, MONDO:0012506, OMIM 610476.
Familial isolated arrhythmogenic right ventricular dysplasia. Identifiers: Orphanet 217656, MedGen C4274968, MONDO:0016342.
Cardiovascular phenotype. Identifiers: MedGen CN230736.

Allele frequency attached by ClinVar (database versions not stated): ExAC 0.00002; gnomAD exomes 0.00003 and 0.00001; gnomAD 0.00001; TOPMed 0.00002.
gnomAD v4.1: 10 of 1,613,712 alleles (0.00062%); highest among the groups gnomAD compares: Admixed American, 0.013%; no homozygotes.

Submissions (5):

GeneDx
Classification: Uncertain significance. Last evaluated: 2025-05-30. Review status: criteria provided, single submitter. Criteria: GeneDx Variant Classification Process June 2021. Collection method: clinical testing. Allele origin: germline. Affected: yes.
Comment: In silico analysis supports that this missense variant has a deleterious effect on protein structure/function; Has not been previously published as pathogenic or benign to our knowledge

Labcorp Genetics (formerly Invitae), Labcorp
Classification: Uncertain significance for Arrhythmogenic right ventricular dysplasia 11. Last evaluated: 2024-10-28. Review status: criteria provided, single submitter. Criteria: Invitae Variant Classification Sherloc (09022015). Collection method: clinical testing. Allele origin: germline.
Comment: This sequence change replaces tyrosine, which is neutral and polar, with cysteine, which is neutral and slightly polar, at codon 206 of the DSC2 protein (p.Tyr206Cys). This variant is present in population databases (rs753004247, gnomAD 0.02%). This variant has not been reported in the literature in individuals affected with DSC2-related conditions. ClinVar contains an entry for this variant (Variation ID: 639835). Invitae Evidence Modeling of protein sequence and biophysical properties (such as structural, functional, and spatial information, amino acid conservation, physicochemical variation, residue mobility, and thermodynamic stability) indicates that this missense variant is not expected to disrupt DSC2 protein function with a negative predictive value of 80%. In summary, the available evidence is currently insufficient to determine the role of this variant in disease. Therefore, it has been classified as a Variant of Uncertain Significance.

All of Us Research Program, National Institutes of Health
Classification: Uncertain significance for Familial isolated arrhythmogenic right ventricular dysplasia. Last evaluated: 2024-08-13. Review status: criteria provided, single submitter. Criteria: ACMG Guidelines, 2015. Collection method: clinical testing. Allele origin: germline. Inheritance: Autosomal dominant inheritance. Observed: 1 variant allele, 1 heterozygote.
Comment: This missense variant replaces tyrosine with cysteine at codon 206 of the DSC2 protein. Computational prediction suggests that this variant may not impact protein structure and function (internally defined REVEL score threshold <= 0.5, PMID: 27666373). To our knowledge, functional studies have not been reported for this variant. This variant has not been reported in individuals affected with cardiovascular disorders in the literature. This variant has been identified in 8/251400 chromosomes in the general population by the Genome Aggregation Database (gnomAD). The available evidence is insufficient to determine the role of this variant in disease conclusively. Therefore, this variant is classified as a Variant of Uncertain Significance.

This study involves interpretation of variants in research participants for the purpose of population health screening. Participant phenotype was not available at the time of variant classification. Additional details can be found in publication PMID: 35346344, PMCID: PMC8962531

Color Diagnostics, LLC DBA Color Health
Classification: Uncertain significance for Cardiomyopathy. Last evaluated: 2024-03-07. Review status: criteria provided, single submitter. Criteria: ACMG Guidelines, 2015. Collection method: clinical testing. Allele origin: germline.
Comment: This missense variant replaces tyrosine with cysteine at codon 206 of the DSC2 protein. Computational prediction suggests that this variant may not impact protein structure and function (internally defined REVEL score threshold <= 0.5, PMID: 27666373). To our knowledge, functional studies have not been reported for this variant. This variant has not been reported in individuals affected with cardiovascular disorders in the literature. This variant has been identified in 8/251400 chromosomes in the general population by the Genome Aggregation Database (gnomAD). The available evidence is insufficient to determine the role of this variant in disease conclusively. Therefore, this variant is classified as a Variant of Uncertain Significance.

Ambry Genetics
Classification: Likely benign for Cardiovascular phenotype. Last evaluated: 2021-10-29. Review status: criteria provided, single submitter. Criteria: Ambry Variant Classification Scheme 2023. Collection method: clinical testing. Allele origin: germline.